The following is an entry in ClinVar:

NM_203447.4(DOCK8):c.2971-4G>A

Gene: DOCK8 (dedicator of cytokinesis 8; plus strand). Cytogenetic location: 9p24.3.
Variant type: single nucleotide variant.
Coding change: c.2971-4G>A on transcript NM_203447.4 (MANE Select); 4 bases into the intron before coding-DNA position 2971, G replaced by A.
Molecular consequence: intron variant.
Genome position (GRCh38, 1-based): chr9:396,781, G>A. VCF-style: chr9-396781-G-A. GRCh37 (hg19) VCF-style: chr9-396781-G-A.
Other names: c.2767-4G>A (NM_001193536.2); c.2671-4G>A (NM_001190458.2).
Identifiers: ClinVar variation 506393 (VCV000506393.20), dbSNP rs186097329, ClinGen allele CA4958454.

ClinVar aggregate classification (germline): Conflicting classifications of pathogenicity. Review status: criteria provided, conflicting classifications (1 of 4 stars). 5 submissions from 5 submitters: Uncertain significance (1); Likely benign (3). 1 of the submissions does not count toward it. Last evaluated 2026-01-19.

Conditions:
Combined immunodeficiency due to DOCK8 deficiency (HIES2). Also called: DOCK8 Deficiency; HIES autosomal recessive; Hyper-IgE recurrent infection syndrome, autosomal recessive; HYPER-IgE RECURRENT INFECTION SYNDROME 2, AUTOSOMAL RECESSIVE; HYPER-IgE SYNDROME 2, AUTOSOMAL RECESSIVE, WITH RECURRENT INFECTIONS. Identifiers: Orphanet 217390, MedGen C4722305, MONDO:0009478, OMIM 243700.
DOCK8-related disorder. Also called: DOCK8-related condition.

Allele frequency attached by ClinVar (database versions not stated): ExAC 0.00050; gnomAD 0.00055 and 0.00057; TOPMed 0.00059; ESP Exome Variant Server 0.00069; 1000 Genomes Project 30x 0.00016; 1000 Genomes Project 0.00020; gnomAD exomes 0.00042.
gnomAD v4.1: 1,200 of 1,614,044 alleles (0.074%); highest among the groups gnomAD compares: Non-Finnish European, 0.09%; no homozygotes.

Submissions (5):

Labcorp Genetics (formerly Invitae), Labcorp
Classification: Likely benign for Combined immunodeficiency due to DOCK8 deficiency. Last evaluated: 2026-01-19. Review status: criteria provided, single submitter. Criteria: Invitae Variant Classification Sherloc (09022015). Collection method: clinical testing. Allele origin: germline.

Blueprint Genetics
Classification: Likely benign. Last evaluated: 2024-10-08. Review status: criteria provided, single submitter. Criteria: ACMG Guidelines, 2015. Collection method: clinical testing. Allele origin: germline.

GeneDx
Classification: Likely benign. Last evaluated: 2019-10-19. Review status: criteria provided, single submitter. Criteria: GeneDx Variant Classification Process June 2021. Collection method: clinical testing. Allele origin: germline. Affected: yes.

Illumina Laboratory Services, Illumina
Classification: Uncertain significance for Combined immunodeficiency due to DOCK8 deficiency. Last evaluated: 2018-01-13. Review status: criteria provided, single submitter. Criteria: ICSL Variant Classification Criteria 13 December 2019. Collection method: clinical testing. Allele origin: germline.

PreventionGenetics, part of Exact Sciences
Classification: Likely benign for DOCK8-related condition. Last evaluated: 2023-12-27. Review status: no assertion criteria provided. Collection method: clinical testing. Allele origin: germline. Not counted in ClinVar's aggregate classification.
Comment: This variant is classified as likely benign based on ACMG/AMP sequence variant interpretation guidelines (Richards et al. 2015 PMID: 25741868, with internal and published modifications).